The following is an entry in ClinVar:

NM_000059.4(BRCA2):c.4276A>G (p.Thr1426Ala)

Gene: BRCA2 (BRCA2 DNA repair associated; plus strand). Cytogenetic location: 13q13.1.
Variant type: single nucleotide variant.
Coding change: c.4276A>G on transcript NM_000059.4 (MANE Select); coding-DNA position 4276, A replaced by G.
Protein change: p.Thr1426Ala; replaces threonine 1426 with alanine.
Molecular consequence: missense variant.
Genome position (GRCh38, 1-based): chr13:32,338,631, A>G. VCF-style: chr13-32338631-A-G. GRCh37 (hg19) VCF-style: chr13-32912768-A-G.
Other names: short protein forms T1426A.
Identifiers: ClinVar variation 231809 (VCV000231809.7), dbSNP rs876659380, ClinGen allele CA10579606.

ClinVar aggregate classification (germline): Conflicting classifications of pathogenicity. Review status: criteria provided, conflicting classifications (1 of 4 stars). 2 submissions from 2 submitters: Uncertain significance (1); Likely benign (1). Last evaluated 2023-03-23.

Conditions:
Hereditary cancer-predisposing syndrome. Also called: Neoplastic Syndromes, Hereditary; Tumor predisposition; Hereditary Cancer Syndrome; Hereditary neoplastic syndrome. Identifiers: Orphanet 140162, MedGen C0027672, MeSH D009386, MONDO:0015356.

Allele frequency attached by ClinVar (database versions not stated): gnomAD exomes below 0.00001.
gnomAD v4.1: 2 of 1,598,568 alleles (0.00013%); highest among the groups gnomAD compares: African/African-American, 0.0013%; no homozygotes.

Submissions (2):

University of Washington Department of Laboratory Medicine, University of Washington
Classification: Likely benign for Hereditary cancer-predisposing syndrome. Last evaluated: 2023-03-23. Review status: criteria provided, single submitter. Criteria: Dines et al. (Genet Med. 2020). Collection method: curation. Allele origin: germline.
Comment: Missense variant in a coldspot region where missense variants are very unlikely to be pathogenic (PMID:31911673).

BRCA2 exon 11 coldspot. Reclassification based on statistical prior probability.

Ambry Genetics
Classification: Uncertain significance for Hereditary cancer-predisposing syndrome. Last evaluated: 2019-01-14. Review status: criteria provided, single submitter. Criteria: Ambry Variant Classification Scheme 2023. Collection method: clinical testing. Allele origin: germline.
Comment: The p.T1426A variant (also known as c.4276A>G and 4504A>G), located in coding exon 10 of the BRCA2 gene, results from an A to G substitution at nucleotide position 4276. The threonine at codon 1426 is replaced by alanine, an amino acid with similar properties. This amino acid position is poorly conserved in available vertebrate species. In addition, this alteration is predicted to be tolerated by in silico analysis. Since supporting evidence is limited at this time, the clinical significance of this alteration remains unclear.